The following is an entry in ClinVar:

ClinVar aggregate classification (germline): Uncertain significance (1 of 4 stars; one submission).

Conditions:
Developmental and epileptic encephalopathy, 9 (DEE9). Also called: Early infantile epileptic encephalopathy 9; EPILEPSY, FEMALE-RESTRICTED, WITH MENTAL RETARDATION; PCDH19-Related X-Linked Female-Limited Epilepsy with Mental Retardation; JUBERG-HELLMAN SYNDROME. Identifiers: Orphanet 101039, Orphanet 2076, MedGen C1848137, MONDO:0010246, OMIM 300088. Disease mechanism: loss of function.

Submission:

Labcorp Genetics (formerly Invitae), Labcorp
Classification: Uncertain significance for Developmental and epileptic encephalopathy, 9. Last evaluated: 2023-09-13. Review status: criteria provided, single submitter. Criteria: Invitae Variant Classification Sherloc (09022015). Collection method: clinical testing. Allele origin: germline.
Comment: This variant has not been reported in the literature in individuals affected with PCDH19-related conditions. This variant is not present in population databases (gnomAD no frequency). This sequence change replaces asparagine, which is neutral and polar, with serine, which is neutral and polar, at codon 41 of the PCDH19 protein (p.Asn41Ser). ClinVar contains an entry for this variant (Variation ID: 1483935). In summary, the available evidence is currently insufficient to determine the role of this variant in disease. Therefore, it has been classified as a Variant of Uncertain Significance. Advanced modeling of protein sequence and biophysical properties (such as structural, functional, and spatial information, amino acid conservation, physicochemical variation, residue mobility, and thermodynamic stability) has been performed at Invitae for this missense variant, however the output from this modeling did not meet the statistical confidence thresholds required to predict the impact of this variant on PCDH19 protein function.

NM_001184880.2(PCDH19):c.122A>G (p.Asn41Ser)

Gene: PCDH19 (protocadherin 19; minus strand). Cytogenetic location: Xq22.1.
Variant type: single nucleotide variant.
Coding change: c.122A>G on transcript NM_001184880.2 (MANE Select); coding-DNA position 122, A replaced by G.
Protein change: p.Asn41Ser; replaces asparagine 41 with serine.
Molecular consequence: missense variant.
Genome position (GRCh38, 1-based): chrX:100,408,476, T>C on the plus strand (A>G on the coding strand, the complement: PCDH19 is on the minus strand). VCF-style: chrX-100408476-T-C. GRCh37 (hg19) VCF-style: chrX-99663474-T-C.
Other names: c.122A>G, p.Asn41Ser (NM_001105243.2, NM_020766.3); short protein forms N41S.
Identifiers: ClinVar variation 1483935 (VCV001483935.8), dbSNP rs2147542647, ClinGen allele CA414011328.
Genomic context (GRCh38, chrX:100,408,476, plus strand): 5'-AAGGCTGAAGCCTGCCGGGGGTCCAGCGCGAAGCCCGCCTCTCGCGCGTCTTTGGCCACG[T>C]TGGCAATCACCGTCCCGGCGCGCTGCTCCTCTTCTACCGAGTACTTGAGATTAATGAGGG-3'
Protein context (NP_001171809.1, residues 31-51): EEQRAGTVIA[Asn41Ser]VAKDAREAGF